The following is an entry in ClinVar:

ClinVar aggregate classification (germline): Uncertain significance (1 of 4 stars; one submission).

Conditions:
Inborn genetic diseases. Identifiers: MedGen C0950123, MeSH D030342.

gnomAD v4.1: 31 of 1,420,726 alleles (0.0022%); highest among the groups gnomAD compares: Non-Finnish European, 0.0028%; no homozygotes.

Submission:

Ambry Genetics
Classification: Uncertain significance for Inborn genetic diseases. Last evaluated: 2026-05-11. Review status: criteria provided, single submitter. Criteria: Ambry Variant Classification Scheme 2023. Collection method: clinical testing. Allele origin: germline.
Comment: The c.130G>C (p.E44Q) alteration is located in exon 1 (coding exon 1) of the SMAD6 gene. This alteration results from a G to C substitution at nucleotide position 130, causing the glutamic acid (E) at amino acid position 44 to be replaced by a glutamine (Q). Based on data from gnomAD, the C allele has an overall frequency of <0.001% (0/44134) total alleles studied. The highest observed frequency was <0.001% (/) of alleles. Based on insufficient or conflicting evidence, the clinical significance of this alteration remains unclear.

NM_005585.5(SMAD6):c.130G>C (p.Glu44Gln)

Gene: SMAD6 (SMAD family member 6; plus strand). Cytogenetic location: 15q22.31.
Variant type: single nucleotide variant.
Coding change: c.130G>C on transcript NM_005585.5 (MANE Select); coding-DNA position 130, G replaced by C.
Protein change: p.Glu44Gln; replaces glutamic acid 44 with glutamine.
Molecular consequence: missense variant. On other transcripts: non-coding transcript variant (1).
Genome position (GRCh38, 1-based): chr15:66,703,388, G>C. VCF-style: chr15-66703388-G-C. GRCh37 (hg19) VCF-style: chr15-66995726-G-C.
Other names: short protein forms E44Q.
Identifiers: ClinVar variation 4864723 (VCV004864723.1).
Genomic context (GRCh38, chr15:66,703,388, plus strand): 5'-GAAGGCGGCAGCGGCGGCGGCGGTGGCGGCGACGAGGATGGGAGCTTGGGCAGCCGAGCT[G>C]AGCCGGCCCCGCGGGCAAGAGAGGGCGGAGGCTGCGGCCGCTCCGAAGTCCGCCCGGTAG-3'
Protein context (NP_005576.3, residues 34-54): DEDGSLGSRA[Glu44Gln]PAPRAREGGG